The following is an entry in ClinVar:

NM_015335.5(MED13L):c.5482G>A (p.Val1828Met)

Gene: MED13L (mediator complex subunit 13L; minus strand). Cytogenetic location: 12q24.21.
Variant type: single nucleotide variant.
Coding change: c.5482G>A on transcript NM_015335.5 (MANE Select); coding-DNA position 5482, G replaced by A.
Protein change: p.Val1828Met; replaces valine 1828 with methionine.
Molecular consequence: missense variant.
Genome position (GRCh38, 1-based): chr12:115,975,621, C>T on the plus strand (G>A on the coding strand, the complement: MED13L is on the minus strand). VCF-style: chr12-115975621-C-T. GRCh37 (hg19) VCF-style: chr12-116413426-C-T.
Other names: short protein forms V1828M.
Identifiers: ClinVar variation 3356301 (VCV003356301.1).

ClinVar aggregate classification (germline): Uncertain significance (0 of 4 stars; one submission).

Conditions:
MED13L-related disorder. Also called: MED13L-related condition.

gnomAD v4.1: 5 of 1,613,948 alleles (0.00031%); highest among the groups gnomAD compares: African/African-American, 0.0053%; no homozygotes.

Submission:

PreventionGenetics, part of Exact Sciences
Classification: Uncertain significance for MED13L-related condition. Last evaluated: 2024-07-26. Review status: no assertion criteria provided. Collection method: clinical testing. Allele origin: germline.
Comment: The MED13L c.5482G>A variant is predicted to result in the amino acid substitution p.Val1828Met. To our knowledge, this variant has not been reported in the literature. This variant is reported in 0.00088% of alleles in individuals of European (Non-Finnish) descent in gnomAD. Although we suspect that this variant may be benign, at this time, the clinical significance of this variant is uncertain due to the absence of conclusive functional and genetic evidence.